The following is an entry in ClinVar:

ClinVar aggregate classification (germline): Uncertain significance (1 of 4 stars; one submission).

Conditions:
Hereditary cancer-predisposing syndrome. Also called: Neoplastic Syndromes, Hereditary; Tumor predisposition; Hereditary neoplastic syndrome; Hereditary Cancer Syndrome. Identifiers: Orphanet 140162, MedGen C0027672, MeSH D009386, MONDO:0015356.

Submission:

Ambry Genetics
Classification: Uncertain significance for Hereditary cancer-predisposing syndrome. Last evaluated: 2026-07-06. Review status: criteria provided, single submitter. Criteria: Ambry Variant Classification Scheme 2023. Collection method: clinical testing. Allele origin: germline.
Comment: The p.Q278R variant (also known as c.833A>G), located in coding exon 7 of the SMARCB1 gene, results from an A to G substitution at nucleotide position 833. The glutamine at codon 278 is replaced by arginine, an amino acid with highly similar properties. This amino acid position is conserved. In addition, this alteration is predicted to be deleterious by in silico analysis. Based on the available evidence, the clinical significance of this variant remains unclear.

NM_003073.5(SMARCB1):c.833A>G (p.Gln278Arg)

Gene: SMARCB1 (SWI/SNF related BAF chromatin remodeling complex subunit B1; plus strand). Cytogenetic location: 22q11.23.
Variant type: single nucleotide variant.
Coding change: c.833A>G on transcript NM_003073.5 (MANE Select); coding-DNA position 833, A replaced by G.
Protein change: p.Gln278Arg; replaces glutamine 278 with arginine.
Molecular consequence: missense variant.
Genome position (GRCh38, 1-based): chr22:23,825,262, A>G. VCF-style: chr22-23825262-A-G. GRCh37 (hg19) VCF-style: chr22-24167449-A-G.
Other names: c.806A>G, p.Gln269Arg (NM_001007468.3); c.860A>G, p.Gln287Arg (NM_001317946.2); c.887A>G, p.Gln296Arg (NM_001362877.2); short protein forms Q278R, Q287R, Q269R, Q296R.
Identifiers: ClinVar variation 5029915 (VCV005029915.1).